The following is an entry in ClinVar:

NM_004752.4(GCM2):c.-13G>A

Gene: GCM2 (glial cells missing transcription factor 2; minus strand). Cytogenetic location: 6p24.2.
Variant type: single nucleotide variant.
Coding change: c.-13G>A on transcript NM_004752.4 (MANE Select); 13 bases upstream of the start codon, G replaced by A.
Molecular consequence: 5 prime UTR variant.
Genome position (GRCh38, 1-based): chr6:10,881,806, C>T on the plus strand (G>A on the coding strand, the complement: GCM2 is on the minus strand). VCF-style: chr6-10881806-C-T. GRCh37 (hg19) VCF-style: chr6-10882039-C-T.
Identifiers: ClinVar variation 4525852 (VCV004525852.1).

ClinVar aggregate classification (germline): Uncertain significance (1 of 4 stars; one submission).

Submission:

Women's Health and Genetics/Laboratory Corporation of America, LabCorp
Classification: Uncertain significance. Last evaluated: 2025-07-16. Review status: criteria provided, single submitter. Criteria: LabCorp Variant Classification Summary - May 2015. Collection method: clinical testing. Allele origin: germline.
Comment: Variant summary: GCM2 c.-13G>A is located in the untranslated mRNA region upstream of the initiation codon. The variant allele was found at a frequency of 4.5e-05 in 242664 control chromosomes (gnomAD). This frequency is not significantly higher than estimated for a pathogenic variant in GCM2 causing Familial Hypoparathyroidism, allowing no conclusion about variant significance. c.-13G>A has been observed in one individual affected with Familial Hypoparathyroidism (Coppin_2020). The report does not provide unequivocal conclusions about association of the variant with Familial Hypoparathyroidism. To our knowledge, no experimental evidence demonstrating an impact on protein function has been reported. The following publication have been ascertained in the context of this evaluation (PMID: 31671402). No submitters have cited clinical-significance assessments for this variant to ClinVar. Based on the evidence outlined above, the variant was classified as uncertain significance.

Literature cited by the submitters: PubMed 31671402.